The following is an entry in ClinVar:

ClinVar aggregate classification (germline): Uncertain significance. Review status: criteria provided, multiple submitters, no conflicts (2 of 4 stars). 8 submissions from 8 submitters: Uncertain significance (8). Last evaluated 2025-10-29.

Conditions:
Inborn genetic diseases. Identifiers: MedGen C0950123, MeSH D030342.
RYR1-related disorder. Also called: RYR1-related condition; RYR1-related disorders. Identifiers: MedGen CN239331.
Malignant hyperthermia, susceptibility to, 1 (MHS1). Also called: Malignant hyperthermia suceptibility 1; Anesthesia related hyperthermia; Malignant hyperpyrexia; Fulminating hyperpyrexia; Pharmacogenic myopathy; RYR1-Related Malignant Hyperthermia Susceptibility. Identifiers: Orphanet 423, MedGen C2930980, MONDO:0007783, OMIM 145600.

Allele frequency attached by ClinVar (database versions not stated): ExAC 0.00002; gnomAD 0.00005 and 0.00006; TOPMed 0.00007.
gnomAD v4.1: 109 of 1,613,952 alleles (0.0068%); highest among the groups gnomAD compares: Non-Finnish European, 0.0081%; no homozygotes.

Submissions (8):

Labcorp Genetics (formerly Invitae), Labcorp
Classification: Uncertain significance for RYR1-related disorder. Last evaluated: 2025-10-29. Review status: criteria provided, single submitter. Criteria: Invitae Variant Classification Sherloc (09022015). Collection method: clinical testing. Allele origin: germline.
Comment: This sequence change replaces valine, which is neutral and non-polar, with methionine, which is neutral and non-polar, at codon 2070 of the RYR1 protein (p.Val2070Met). This variant is present in population databases (rs749274175, gnomAD 0.006%). This variant has not been reported in the literature in individuals affected with RYR1-related conditions. ClinVar contains an entry for this variant (Variation ID: 432698). Invitae Evidence Modeling of protein sequence and biophysical properties (such as structural, functional, and spatial information, amino acid conservation, physicochemical variation, residue mobility, and thermodynamic stability) indicates that this missense variant is not expected to disrupt RYR1 protein function with a negative predictive value of 80%. In summary, the available evidence is currently insufficient to determine the role of this variant in disease. Therefore, it has been classified as a Variant of Uncertain Significance.

Women's Health and Genetics/Laboratory Corporation of America, LabCorp
Classification: Uncertain significance. Last evaluated: 2025-10-07. Review status: criteria provided, single submitter. Criteria: LabCorp Variant Classification Summary - May 2015. Collection method: clinical testing. Allele origin: germline.
Comment: Variant summary: RYR1 c.6208G>A (p.Val2070Met) results in a conservative amino acid change in the encoded protein sequence. Algorithms developed to predict the effect of missense changes on protein structure and function all suggest that this variant is likely to be tolerated. The variant allele was found at a frequency of 2.4e-05 in 251220 control chromosomes. The available data on variant occurrences in the general population are insufficient to allow any conclusion about variant significance. To our knowledge, no occurrence of c.6208G>A in individuals affected with RYR1-related conditions and no experimental evidence demonstrating its impact on protein function have been reported. ClinVar contains an entry for this variant (Variation ID: 432698). Based on the evidence outlined above, the variant was classified as uncertain significance.

CeGaT Center for Human Genetics Tuebingen
Classification: Uncertain significance. Last evaluated: 2025-08-01. Review status: criteria provided, single submitter. Criteria: CeGaT Center For Human Genetics Tuebingen Variant Classification Criteria Version 2. Collection method: clinical testing. Allele origin: germline. Affected: yes. Observed: 1 variant allele.

Ambry Genetics
Classification: Uncertain significance for Inborn genetic diseases. Last evaluated: 2024-12-10. Review status: criteria provided, single submitter. Criteria: Ambry Variant Classification Scheme 2023. Collection method: clinical testing. Allele origin: germline.

All of Us Research Program, National Institutes of Health
Classification: Uncertain significance for Malignant hyperthermia, susceptibility to, 1. Last evaluated: 2024-07-29. Review status: criteria provided, single submitter. Criteria: ACMG Guidelines, 2015. Collection method: clinical testing. Allele origin: germline. Inheritance: Autosomal dominant inheritance. Observed: 19 variant alleles, 19 heterozygotes.
Comment: This missense variant replaces valine with methionine at codon 2070 of the RYR1 protein. Computational prediction suggests that this variant may not impact protein structure and function (internally defined REVEL score threshold <= 0.5, PMID: 27666373). To our knowledge, functional studies have not been reported for this variant. This variant has not been reported in individuals affected with RYR1-related disorders in the literature. This variant has been identified in 7/282584 chromosomes in the general population by the Genome Aggregation Database (gnomAD). The available evidence is insufficient to determine the role of this variant in disease conclusively. Therefore, this variant is classified as a Variant of Uncertain Significance.

This study involves interpretation of variants in research participants for the purpose of population health screening. Participant phenotype was not available at the time of variant classification. Additional details can be found in publication PMID: 35346344, PMCID: PMC8962531

Color Diagnostics, LLC DBA Color Health
Classification: Uncertain significance for Malignant hyperthermia, susceptibility to, 1. Last evaluated: 2024-03-07. Review status: criteria provided, single submitter. Criteria: ACMG Guidelines, 2015. Collection method: clinical testing. Allele origin: germline.
Comment: This missense variant replaces valine with methionine at codon 2070 of the RYR1 protein. Computational prediction suggests that this variant may not impact protein structure and function. To our knowledge, functional studies have not been reported for this variant. This variant has not been reported in individuals affected with RYR1-related disorders in the literature. This variant has been identified in 7/282584 chromosomes in the general population by the Genome Aggregation Database (gnomAD). The available evidence is insufficient to determine the role of this variant in disease conclusively. Therefore, this variant is classified as a Variant of Uncertain Significance.

Revvity Omics, Revvity
Classification: Uncertain significance. Last evaluated: 2021-09-03. Review status: criteria provided, single submitter. Criteria: ACMG Guidelines, 2015. Collection method: clinical testing. Allele origin: germline.

GeneDx
Classification: Uncertain significance. Last evaluated: 2017-06-15. Review status: criteria provided, single submitter. Criteria: GeneDx Variant Classification (06012015). Collection method: clinical testing. Allele origin: germline. Affected: yes.
Comment: A variant of uncertain significance has been identified in the RYR1 gene. The V2070M variant has not been published as a pathogenic variant, nor has it been reported as a benign variant to our knowledge. The V2070M variant is not observed at a significant frequency in large population cohorts (Lek et al., 2016; 1000 Genomes Consortium et al., 2015; Exome Variant Server). The V2070M variant is a conservative amino acid substitution, which is not likely to impact secondary protein structure as these residues share similar properties. This substitution occurs at a position where amino acids with similar properties to Valine are tolerated across species. However, in silico analysis is inconsistent in its predictions as to whether or not the variant is damaging to the protein structure/function. Therefore, based on the currently available information, it is unclear whether this variant is a pathogenic variant or a rare benign variant.

NM_000540.3(RYR1):c.6208G>A (p.Val2070Met)

Gene: RYR1 (ryanodine receptor 1; plus strand). Cytogenetic location: 19q13.2.
Variant type: single nucleotide variant.
Coding change: c.6208G>A on transcript NM_000540.3 (MANE Select); coding-DNA position 6208, G replaced by A.
Protein change: p.Val2070Met; replaces valine 2070 with methionine.
Molecular consequence: missense variant.
Genome position (GRCh38, 1-based): chr19:38,492,570, G>A. VCF-style: chr19-38492570-G-A. GRCh37 (hg19) VCF-style: chr19-38983210-G-A.
Other names: c.6208G>A, p.Val2070Met (NM_001042723.2); short protein forms V2070M.
Identifiers: ClinVar variation 432698 (VCV000432698.21), dbSNP rs749274175, ClinGen allele CA067895.